The following is an entry in ClinVar:

ClinVar aggregate classification (germline): Uncertain significance. Review status: criteria provided, single submitter (1 of 4 stars). 2 submissions from 2 submitters: Uncertain significance (1). 1 of the submissions does not count toward it. Last evaluated 2023-04-01.

Allele frequency attached by ClinVar (database versions not stated): gnomAD exomes below 0.00001 and 0.00001; ExAC 0.00001.
gnomAD v4.1: 11 of 1,613,926 alleles (0.00068%); highest among the groups gnomAD compares: Middle Eastern, 0.033%; no homozygotes.

Submissions (2):

CeGaT Center for Human Genetics Tuebingen
Classification: Uncertain significance. Last evaluated: 2023-04-01. Review status: criteria provided, single submitter. Criteria: CeGaT Center For Human Genetics Tuebingen Variant Classification Criteria Version 2. Collection method: clinical testing. Allele origin: germline. Affected: yes. Observed: 5 variant alleles.
Comment: UBR4: PM2, PP2, PS4:Supporting

OMIM
Classification: Uncertain significance for VARIANT OF UNKNOWN SIGNIFICANCE. Last evaluated: 2014-04-01. Review status: no assertion criteria provided. Collection method: literature only. Allele origin: germline. Not counted in ClinVar's aggregate classification.

Literature cited by the submitters: PubMed 23982692 (cited by OMIM).

NM_020765.3(UBR4):c.15272G>A (p.Arg5091His)

Gene: UBR4 (ubiquitin protein ligase E3 component n-recognin 4; minus strand). Cytogenetic location: 1p36.13.
Variant type: single nucleotide variant.
Coding change: c.15272G>A on transcript NM_020765.3 (MANE Select); coding-DNA position 15272, G replaced by A.
Protein change: p.Arg5091His; replaces arginine 5091 with histidine.
Molecular consequence: missense variant.
Genome position (GRCh38, 1-based): chr1:19,078,028, C>T on the plus strand (G>A on the coding strand, the complement: UBR4 is on the minus strand). VCF-style: chr1-19078028-C-T. GRCh37 (hg19) VCF-style: chr1-19404522-C-T.
Other names: short protein forms R5091H.
Identifiers: ClinVar variation 156527 (VCV000156527.29), dbSNP rs587777845, ClinGen allele CA233245.